The following is an entry in ClinVar:

ClinVar aggregate classification (germline): Uncertain significance (1 of 4 stars; one submission).

Submission:

Labcorp Genetics (formerly Invitae), Labcorp
Classification: Uncertain significance. Last evaluated: 2024-01-10. Review status: criteria provided, single submitter. Criteria: Invitae Variant Classification Sherloc (09022015). Collection method: clinical testing. Allele origin: germline.
Comment: This sequence change replaces tyrosine, which is neutral and polar, with cysteine, which is neutral and slightly polar, at codon 140 of the CUL3 protein (p.Tyr140Cys). This variant is not present in population databases (gnomAD no frequency). This variant has not been reported in the literature in individuals affected with CUL3-related conditions. Advanced modeling of protein sequence and biophysical properties (such as structural, functional, and spatial information, amino acid conservation, physicochemical variation, residue mobility, and thermodynamic stability) performed at Invitae indicates that this missense variant is expected to disrupt CUL3 protein function with a positive predictive value of 80%. In summary, the available evidence is currently insufficient to determine the role of this variant in disease. Therefore, it has been classified as a Variant of Uncertain Significance.

NM_003590.5(CUL3):c.419A>G (p.Tyr140Cys)

Gene: CUL3 (cullin 3; minus strand). Cytogenetic location: 2q36.2.
Variant type: single nucleotide variant.
Coding change: c.419A>G on transcript NM_003590.5 (MANE Select); coding-DNA position 419, A replaced by G.
Protein change: p.Tyr140Cys; replaces tyrosine 140 with cysteine.
Molecular consequence: missense variant.
Genome position (GRCh38, 1-based): chr2:224,514,732, T>C on the plus strand (A>G on the coding strand, the complement: CUL3 is on the minus strand). VCF-style: chr2-224514732-T-C. GRCh37 (hg19) VCF-style: chr2-225379449-T-C.
Other names: c.221A>G, p.Tyr74Cys (NM_001257197.2); c.437A>G, p.Tyr146Cys (NM_001257198.2); short protein forms Y140C, Y74C, Y146C.
Identifiers: ClinVar variation 2702477 (VCV002702477.3), dbSNP rs2470004152, ClinGen allele CA350832069.